The following is an entry in ClinVar:

ClinVar aggregate classification (germline): Conflicting classifications of pathogenicity. Review status: criteria provided, conflicting classifications (1 of 4 stars). 5 submissions from 5 submitters: Uncertain significance (2); Likely benign (1). 2 of the submissions do not count toward it. Last evaluated 2026-04-28.

Conditions:
Hereditary cancer-predisposing syndrome. Also called: Neoplastic Syndromes, Hereditary; Tumor predisposition; Hereditary neoplastic syndrome; Hereditary Cancer Syndrome. Identifiers: Orphanet 140162, MedGen C0027672, MeSH D009386, MONDO:0015356.
Hereditary breast ovarian cancer syndrome. Also called: Hereditary breast and ovarian cancer syndrome; Hereditary breast and ovarian cancer syndrome (HBOC); Breast and ovarian cancer; BRCA1- and BRCA2-Associated Hereditary Breast and Ovarian Cancer; Hereditary breast and/or ovarian cancer syndrome; Hereditary breast and ovarian cancer. Identifiers: Orphanet 145, MedGen C0677776, MeSH D061325, MONDO:0003582. Disease mechanism: loss of function.
Breast-ovarian cancer, familial, susceptibility to, 2 (BROVCA2). Also called: BRCA2 Hereditary Breast and Ovarian Cancer. Identifiers: Orphanet 145, MedGen C2675520, MONDO:0012933, OMIM 612555. Disease mechanism: loss of function.

Submissions (5):

Ambry Genetics
Classification: Likely benign for Hereditary cancer-predisposing syndrome. Last evaluated: 2026-04-28. Review status: criteria provided, single submitter. Criteria: Ambry Variant Classification Scheme 2023. Collection method: clinical testing. Allele origin: germline.

Labcorp Genetics (formerly Invitae), Labcorp
Classification: Uncertain significance for Hereditary breast ovarian cancer syndrome. Last evaluated: 2024-04-22. Review status: criteria provided, single submitter. Criteria: Invitae Variant Classification Sherloc (09022015). Collection method: clinical testing. Allele origin: germline.
Comment: This sequence change replaces lysine, which is basic and polar, with threonine, which is neutral and polar, at codon 2496 of the BRCA2 protein (p.Lys2496Thr). This variant is not present in population databases (gnomAD no frequency). This missense change has been observed in individual(s) with clinical features of BRCA2-related conditions (PMID: 21520333). ClinVar contains an entry for this variant (Variation ID: 126138). Advanced modeling of protein sequence and biophysical properties (such as structural, functional, and spatial information, amino acid conservation, physicochemical variation, residue mobility, and thermodynamic stability) performed at Invitae indicates that this missense variant is not expected to disrupt BRCA2 protein function with a negative predictive value of 95%. In summary, the available evidence is currently insufficient to determine the role of this variant in disease. Therefore, it has been classified as a Variant of Uncertain Significance.

GeneDx
Classification: Uncertain significance. Last evaluated: 2020-01-17. Review status: criteria provided, single submitter. Criteria: GeneDx Variant Classification Process June 2021. Collection method: clinical testing. Allele origin: germline. Affected: yes.
Comment: Not observed in large population cohorts (Lek 2016); In silico analysis, which includes protein predictors and evolutionary conservation, supports that this variant does not alter protein structure/function; Has not been previously published as pathogenic or benign to our knowledge; Also known as 7715A>C

Counsyl
Classification: Uncertain significance for Breast-ovarian cancer, familial, susceptibility to, 2. Last evaluated: 2016-04-20. Review status: no assertion criteria provided. Collection method: clinical testing. Allele origin: unknown. Not counted in ClinVar's aggregate classification.

Breast Cancer Information Core (BIC) (BRCA2)
Classification: Uncertain significance for Breast-ovarian cancer, familial 2. Last evaluated: 2002-05-29. Review status: no assertion criteria provided. Collection method: clinical testing. Allele origin: germline. Affected: yes. Observed: 1 variant allele. Not counted in ClinVar's aggregate classification.

Literature cited by the submitters: PubMed 21520333 (cited by Labcorp Genetics (formerly Invitae), Labcorp).

NM_000059.4(BRCA2):c.7487A>C (p.Lys2496Thr)

Gene: BRCA2 (BRCA2 DNA repair associated; plus strand). Cytogenetic location: 13q13.1.
Variant type: single nucleotide variant.
Coding change: c.7487A>C on transcript NM_000059.4 (MANE Select); coding-DNA position 7487, A replaced by C.
Protein change: p.Lys2496Thr; replaces lysine 2496 with threonine.
Molecular consequence: missense variant.
Genome position (GRCh38, 1-based): chr13:32,356,479, A>C. VCF-style: chr13-32356479-A-C. GRCh37 (hg19) VCF-style: chr13-32930616-A-C.
Other names: short protein forms K2496T.
Identifiers: ClinVar variation 126138 (VCV000126138.16), dbSNP rs80358975, ClinGen allele CA025113.